The following is an entry in ClinVar:

NM_000557.5(GDF5):c.39C>G (p.Tyr13Ter)

Gene: GDF5 (growth differentiation factor 5; minus strand). Cytogenetic location: 20q11.22.
Variant type: single nucleotide variant.
Coding change: c.39C>G on transcript NM_000557.5 (MANE Select); coding-DNA position 39, C replaced by G.
Protein change: p.Tyr13Ter; replaces tyrosine 13 with a stop codon.
Molecular consequence: nonsense.
Genome position (GRCh38, 1-based): chr20:35,437,890, G>C on the plus strand (C>G on the coding strand, the complement: GDF5 is on the minus strand). VCF-style: chr20-35437890-G-C. GRCh37 (hg19) VCF-style: chr20-34025670-G-C.
Other names: c.39C>G, p.Tyr13Ter (NM_001319138.2); short protein forms Y13*.
Identifiers: ClinVar variation 2021205 (VCV002021205.4), dbSNP rs2515427481, ClinGen allele CA408745665.

ClinVar aggregate classification (germline): Pathogenic (1 of 4 stars; one submission).

Submission:

Labcorp Genetics (formerly Invitae), Labcorp
Classification: Pathogenic. Last evaluated: 2022-08-02. Review status: criteria provided, single submitter. Criteria: Invitae Variant Classification Sherloc (09022015). Collection method: clinical testing. Allele origin: germline.
Comment: For these reasons, this variant has been classified as Pathogenic. This variant has not been reported in the literature in individuals affected with GDF5-related conditions. This variant is not present in population databases (gnomAD no frequency). This sequence change creates a premature translational stop signal (p.Tyr13*) in the GDF5 gene. It is expected to result in an absent or disrupted protein product. Loss-of-function variants in GDF5 are known to be pathogenic (PMID: 8589725, 9288091, 12121354, 12357473, 27577507).

Literature cited by the submitters: PubMed 8589725; PubMed 9288091; PubMed 12121354; PubMed 12357473; PubMed 27577507.